The following is an entry in ClinVar:

ClinVar aggregate classification (germline): Benign. Review status: criteria provided, single submitter (1 of 4 stars). 2 submissions from 1 submitter: Benign (2). Last evaluated 2018-01-13.

Conditions:
Alternating hemiplegia of childhood 1 (AHC1). Identifiers: Orphanet 2131, MedGen C3549447, MONDO:0007087, OMIM 104290.
Migraine, familial hemiplegic, 2. Identifiers: Orphanet 569, MedGen C1865322, MONDO:0011232, OMIM 602481.

Allele frequency attached by ClinVar (database versions not stated): gnomAD exomes 0.00713; gnomAD 0.03486 and 0.03640; TOPMed 0.03853; 1000 Genomes Project 0.04473; 1000 Genomes Project 30x 0.04778.
gnomAD v4.1: 5,315 of 160,598 alleles (3.3%); highest among the groups gnomAD compares: African/African-American, 12%; 286 homozygotes.

Submissions (2):

Illumina Laboratory Services, Illumina
Classification: Benign for Migraine, familial hemiplegic, 2. Last evaluated: 2018-01-13. Review status: criteria provided, single submitter. Criteria: ICSL Variant Classification Criteria 13 December 2019. Collection method: clinical testing. Allele origin: germline.
Comment: This variant was observed in the ICSL laboratory as part of a predisposition screen in an ostensibly healthy population. It had not been previously curated by ICSL or reported in the Human Gene Mutation Database (HGMD: prior to June 1st, 2018), and was therefore a candidate for classification through an automated scoring system. Utilizing variant allele frequency, disease prevalence and penetrance estimates, and inheritance mode, an automated score was calculated to assess if this variant is too frequent to cause the disease. Based on the score and internal cut-off values, a variant classified as benign is not then subjected to further curation. The score for this variant resulted in a classification of benign for this disease.

Illumina Laboratory Services, Illumina
Classification: Benign for Alternating hemiplegia of childhood 1. Last evaluated: 2018-01-13. Review status: criteria provided, single submitter. Criteria: ICSL Variant Classification Criteria 13 December 2019. Collection method: clinical testing. Allele origin: germline.
Comment: the same text as in the submission from Illumina Laboratory Services, Illumina above.

NM_000702.4(ATP1A2):c.*621A>G

Gene: ATP1A2 (ATPase Na+/K+ transporting subunit alpha 2; plus strand). Cytogenetic location: 1q23.2.
Variant type: single nucleotide variant.
Coding change: c.*621A>G on transcript NM_000702.4 (MANE Select); 621 bases downstream of the stop codon, A replaced by G.
Molecular consequence: 3 prime UTR variant.
Genome position (GRCh38, 1-based): chr1:160,141,943, A>G. VCF-style: chr1-160141943-A-G. GRCh37 (hg19) VCF-style: chr1-160111733-A-G.
Identifiers: ClinVar variation 293148 (VCV000293148.5), dbSNP rs12077973, ClinGen allele CA10607934.